The following is an entry in ClinVar:

NM_004304.5(ALK):c.3919A>C (p.Thr1307Pro)

Gene: ALK (ALK receptor tyrosine kinase; minus strand). Cytogenetic location: 2p23.2.
Variant type: single nucleotide variant.
Coding change: c.3919A>C on transcript NM_004304.5 (MANE Select); coding-DNA position 3919, A replaced by C.
Protein change: p.Thr1307Pro; replaces threonine 1307 with proline.
Molecular consequence: missense variant.
Genome position (GRCh38, 1-based): chr2:29,207,190, T>G on the plus strand (A>C on the coding strand, the complement: ALK is on the minus strand). VCF-style: chr2-29207190-T-G. GRCh37 (hg19) VCF-style: chr2-29430056-T-G.
Other names: c.715A>C, p.Thr239Pro (NM_001353765.2); short protein forms T1307P, T239P.
Identifiers: ClinVar variation 4869414 (VCV004869414.1).

ClinVar aggregate classification (germline): Uncertain significance (1 of 4 stars; one submission).

Conditions:
Hereditary cancer-predisposing syndrome. Also called: Neoplastic Syndromes, Hereditary; Tumor predisposition; Hereditary Cancer Syndrome; Hereditary neoplastic syndrome. Identifiers: Orphanet 140162, MedGen C0027672, MeSH D009386, MONDO:0015356.

gnomAD v4.1: 1 of 1,613,912 alleles (0.000062%); highest among the groups gnomAD compares: Non-Finnish European, 0.000085%; no homozygotes.

Submission:

Ambry Genetics
Classification: Uncertain significance for Hereditary cancer-predisposing syndrome. Last evaluated: 2026-04-10. Review status: criteria provided, single submitter. Criteria: Ambry Variant Classification Scheme 2023. Collection method: clinical testing. Allele origin: germline.
Comment: The p.T1307P variant (also known as c.3919A>C), located in coding exon 26 of the ALK gene, results from an A to C substitution at nucleotide position 3919. The threonine at codon 1307 is replaced by proline, an amino acid with highly similar properties. This amino acid position is conserved. In addition, this alteration is predicted to be deleterious by in silico analysis. Based on the available evidence, the clinical significance of this variant remains unclear.